The following is an entry in ClinVar:

NM_006767.4(LZTR1):c.1688A>G (p.Glu563Gly)

Gene: LZTR1 (leucine zipper like post translational regulator 1; plus strand). Cytogenetic location: 22q11.21.
Variant type: single nucleotide variant.
Coding change: c.1688A>G on transcript NM_006767.4 (MANE Select); coding-DNA position 1688, A replaced by G.
Protein change: p.Glu563Gly; replaces glutamic acid 563 with glycine.
Molecular consequence: missense variant.
Genome position (GRCh38, 1-based): chr22:20,994,630, A>G. VCF-style: chr22-20994630-A-G. GRCh37 (hg19) VCF-style: chr22-21348919-A-G.
Other names: short protein forms E563G.
Identifiers: ClinVar variation 1778050 (VCV001778050.2), dbSNP rs2518621800, ClinGen allele CA410777790.

ClinVar aggregate classification (germline): Uncertain significance (1 of 4 stars; one submission).

Conditions:
Cardiovascular phenotype. Identifiers: MedGen CN230736.
Hereditary cancer-predisposing syndrome. Also called: Neoplastic Syndromes, Hereditary; Tumor predisposition; Hereditary Cancer Syndrome; Hereditary neoplastic syndrome. Identifiers: Orphanet 140162, MedGen C0027672, MeSH D009386, MONDO:0015356.

Submission:

Ambry Genetics
Classification: Uncertain significance for Cardiovascular phenotype; Hereditary cancer-predisposing syndrome. Last evaluated: 2022-02-05. Review status: criteria provided, single submitter. Criteria: Ambry Variant Classification Scheme 2023. Collection method: clinical testing. Allele origin: germline.
Comment: The p.E563G variant (also known as c.1688A>G), located in coding exon 15 of the LZTR1 gene, results from an A to G substitution at nucleotide position 1688. The glutamic acid at codon 563 is replaced by glycine, an amino acid with similar properties. This amino acid position is conserved. In addition, the in silico prediction for this alteration is inconclusive. Since supporting evidence is limited at this time, the clinical significance of this alteration remains unclear.